The following is an entry in ClinVar:

NM_000478.6(ALPL):c.1156G>A (p.Gly386Ser)

Gene: ALPL (alkaline phosphatase, biomineralization associated; plus strand). Cytogenetic location: 1p36.12.
Variant type: single nucleotide variant.
Coding change: c.1156G>A on transcript NM_000478.6 (MANE Select); coding-DNA position 1156, G replaced by A.
Protein change: p.Gly386Ser; replaces glycine 386 with serine.
Molecular consequence: missense variant.
Genome position (GRCh38, 1-based): chr1:21,575,891, G>A. VCF-style: chr1-21575891-G-A. GRCh37 (hg19) VCF-style: chr1-21902384-G-A.
Other names: c.991G>A, p.Gly331Ser (NM_001127501.4); c.925G>A, p.Gly309Ser (NM_001177520.3); c.1156G>A, p.Gly386Ser (NM_001369803.2, NM_001369804.2, NM_001369805.2); short protein forms G309S, G331S, G386S.
Identifiers: ClinVar variation 4688903 (VCV004688903.1).
Genomic context (GRCh38, chr1:21,575,891, plus strand): 5'-ACCTCCTCGGAAGACACTCTGACCGTGGTCACTGCGGACCATTCCCACGTCTTCACATTT[G>A]GTGGATACACCCCCCGTGGCAACTCTATCTTTGGTAGGTGGGCCTTCTTTGGGGTGGACA-3'
Protein context (NP_000469.3, residues 376-396): TADHSHVFTF[Gly386Ser]GYTPRGNSIF

ClinVar aggregate classification (germline): Uncertain significance (1 of 4 stars; one submission).

Submission:

Women's Health and Genetics/Laboratory Corporation of America, LabCorp
Classification: Uncertain significance. Last evaluated: 2025-12-22. Review status: criteria provided, single submitter. Criteria: LabCorp Variant Classification Summary - May 2015. Collection method: clinical testing. Allele origin: germline.
Comment: Variant summary: ALPL c.1156G>A (p.Gly386Ser) results in a non-conservative amino acid change in the encoded protein sequence. Algorithms developed to predict the effect of missense changes on protein structure and function all suggest that this variant is likely to be disruptive. Several computational tools predict a significant impact on normal splicing: Two predict the variant creates a cryptic 3' acceptor site. However, these predictions have yet to be confirmed by functional studies. The variant was absent in 251490 control chromosomes. The available data on variant occurrences in the general population are insufficient to allow any conclusion about variant significance. To our knowledge, no occurrence of c.1156G>A in individuals affected with ALPL-related conditions and no experimental evidence demonstrating its impact on protein function have been reported. No submitters have cited clinical-significance assessments for this variant to ClinVar. Based on the evidence outlined above, the variant was classified as uncertain significance.